The following is an entry in ClinVar:

ClinVar aggregate classification (germline): Uncertain significance. Review status: criteria provided, multiple submitters, no conflicts (2 of 4 stars). 6 submissions from 6 submitters: Uncertain significance (3). 3 of the submissions do not count toward it. Last evaluated 2026-06-06.

Conditions:
TTN-related disorder. Also called: TTN-related condition; TTN-related disease; TTN-related disorders.
Cardiomyopathy (CMYO). Also called: Cardiomyopathies. Identifiers: Orphanet 167848, MedGen C0878544, MONDO:0004994, HP:0001638. Inheritance: Various modes of inheritance.

Submissions (6):

PreventionGenetics, part of Exact Sciences
Classification: Uncertain significance for TTN-related condition. Last evaluated: 2026-06-06. Review status: criteria provided, single submitter. Criteria: ACMG Guidelines, 2015. Collection method: clinical testing. Allele origin: germline.
Comment: The TTN c.32412_32414delGAA variant is predicted to result in an in-frame deletion (p.Lys10805del). To our knowledge, this variant has not been reported in the literature. This variant is reported in 0.0016% of alleles in individuals of European (Non-Finnish) descent in gnomAD. At this time, the clinical significance of this variant is uncertain due to the absence of conclusive functional and genetic evidence.

Women's Health and Genetics/Laboratory Corporation of America, LabCorp
Classification: Uncertain significance. Last evaluated: 2025-12-03. Review status: criteria provided, single submitter. Criteria: LabCorp Variant Classification Summary - May 2015. Collection method: clinical testing. Allele origin: germline.
Comment: Variant summary: TTN c.28680_28682delGAA (p.Lys9561del) results in an in-frame deletion that is predicted to remove one amino acid from the encoded protein. The variant allele was found at a frequency of 6.4e-06 in 157396 control chromosomes. The available data on variant occurrences in the general population are insufficient to allow any conclusion about variant significance. To our knowledge, no occurrence of c.28680_28682delGAA in individuals affected with TTN-related conditions and no experimental evidence demonstrating its impact on protein function have been reported. ClinVar contains an entry for this variant (Variation ID: 915639). Based on the evidence outlined above, the variant was classified as uncertain significance.

CHEO Genetics Diagnostic Laboratory, Children's Hospital of Eastern Ontario
Classification: Uncertain significance for Cardiomyopathy. Last evaluated: 2019-05-06. Review status: criteria provided, single submitter. Criteria: ACMG Guidelines, 2015. Collection method: clinical testing. Allele origin: germline.

Clinical Genetics DNA and cytogenetics Diagnostics Lab, Erasmus MC, Erasmus Medical Center
Classification: Uncertain significance. Review status: no assertion criteria provided. Collection method: clinical testing. Allele origin: germline. Affected: yes. Study: VKGL Data-share Consensus. Not counted in ClinVar's aggregate classification.

Clinical Genetics, Academic Medical Center
Classification: Uncertain significance. Review status: no assertion criteria provided. Collection method: clinical testing. Allele origin: germline. Affected: yes. Study: VKGL Data-share Consensus. Not counted in ClinVar's aggregate classification.

Joint Genome Diagnostic Labs from Nijmegen and Maastricht, Radboudumc and MUMC+
Classification: Uncertain significance. Review status: no assertion criteria provided. Collection method: clinical testing. Allele origin: germline. Affected: yes. Study: VKGL Data-share Consensus. Not counted in ClinVar's aggregate classification.

NM_001267550.2(TTN):c.32409GAA[1] (p.Lys10805del)

Gene: TTN (titin; minus strand). Cytogenetic location: 2q31.2.
Variant type: Microsatellite.
Coding change: c.32409GAA[1] on transcript NM_001267550.2 (MANE Select); one copy of the 3-base unit GAA starting at c.32409; the reference has two copies in a row; one copy, 3 bases deleted.
Protein change: p.Lys10805del; deletes lysine 10805.
Molecular consequence: inframe deletion. On other transcripts: intron variant (3).
Genome position (GRCh38, 1-based): chr2:178,685,309-178,685,311, TTC deleted on the plus strand (GAA on the coding strand, the reverse complement: TTN is on the minus strand); deleting any 3 consecutive bases within chr2:178,685,309-178,685,315 gives the same sequence; the position shown is the placement nearest the transcript's 3' end. VCF-style (leftmost placement, unchanged base first): chr2-178685308-TTTC-T. GRCh37 (hg19) VCF-style: chr2-179550035-TTTC-T.
Other names: c.31458GAA[1], p.Lys10488del (NM_001256850.1); c.28677GAA[1], p.Lys9561del (NM_133378.4); c.13283-42994_13283-42992del (NM_003319.4); c.13859-42994_13859-42992del (NM_133437.4); c.13658-42994_13658-42992del (NM_133432.3); c.31461_31463del (NM_001256850.1); c.32412_32414delGAA (NM_001267550.2); c.28680_28682delGAA (NM_133378.4); short protein forms K10805del, K9561del, K10488del.
Identifiers: ClinVar variation 915639 (VCV000915639.9), dbSNP rs1254565797, ClinGen allele CA538095248.